The following is an entry in ClinVar:

ClinVar aggregate classification (germline): Uncertain significance. Review status: criteria provided, multiple submitters, no conflicts (2 of 4 stars). 2 submissions from 2 submitters: Uncertain significance (2). Last evaluated 2025-12-01.

Conditions:
Brugada syndrome 8 (BRGDA8). Identifiers: Orphanet 130, MedGen C2751083, MONDO:0013148, OMIM 613123.
Cardiovascular phenotype. Identifiers: MedGen CN230736.

Allele frequency attached by ClinVar (database versions not stated): gnomAD exomes below 0.00001.
gnomAD v4.1: 1 of 1,613,140 alleles (0.000062%); highest among the groups gnomAD compares: Non-Finnish European, 0.000085%; no homozygotes.

Submissions (2):

Ambry Genetics
Classification: Uncertain significance for Cardiovascular phenotype. Last evaluated: 2025-12-01. Review status: criteria provided, single submitter. Criteria: Ambry Variant Classification Scheme 2023. Collection method: clinical testing. Allele origin: germline.
Comment: The p.Q217H variant (also known as c.651G>T), located in coding exon 1 of the HCN4 gene, results from a G to T substitution at nucleotide position 651. The glutamine at codon 217 is replaced by histidine, an amino acid with highly similar properties. This amino acid position is highly conserved in available vertebrate species. In addition, the in silico prediction for this alteration is inconclusive. Based on the available evidence, the clinical significance of this variant remains unclear.

Labcorp Genetics (formerly Invitae), Labcorp
Classification: Uncertain significance for Brugada syndrome 8. Last evaluated: 2025-04-29. Review status: criteria provided, single submitter. Criteria: Invitae Variant Classification Sherloc (09022015). Collection method: clinical testing. Allele origin: germline.
Comment: This sequence change replaces glutamine, which is neutral and polar, with histidine, which is basic and polar, at codon 217 of the HCN4 protein (p.Gln217His). This variant is present in population databases (no rsID available, gnomAD 0.0009%). This variant has not been reported in the literature in individuals affected with HCN4-related conditions. ClinVar contains an entry for this variant (Variation ID: 660429). Invitae Evidence Modeling of protein sequence and biophysical properties (such as structural, functional, and spatial information, amino acid conservation, physicochemical variation, residue mobility, and thermodynamic stability) has been performed for this missense variant. However, the output from this modeling did not meet the statistical confidence thresholds required to predict the impact of this variant on HCN4 protein function. In summary, the available evidence is currently insufficient to determine the role of this variant in disease. Therefore, it has been classified as a Variant of Uncertain Significance.

NM_005477.3(HCN4):c.651G>T (p.Gln217His)

Gene: HCN4 (hyperpolarization activated cyclic nucleotide gated potassium channel 4; minus strand). Cytogenetic location: 15q24.1.
Variant type: single nucleotide variant.
Coding change: c.651G>T on transcript NM_005477.3 (MANE Select); coding-DNA position 651, G replaced by T.
Protein change: p.Gln217His; replaces glutamine 217 with histidine.
Molecular consequence: missense variant.
Genome position (GRCh38, 1-based): chr15:73,367,620, C>A on the plus strand (G>T on the coding strand, the complement: HCN4 is on the minus strand). VCF-style: chr15-73367620-C-A. GRCh37 (hg19) VCF-style: chr15-73659961-C-A.
Other names: short protein forms Q217H.
Identifiers: ClinVar variation 660429 (VCV000660429.11), dbSNP rs1323141666, ClinGen allele CA393097346.
Genomic context (GRCh38, chr15:73,367,620, plus strand): 5'-CTGGCTGCCGAACATCCTTAGGGAGAATTTGTTGACCCCGGGTTGGAGCATGGCCCCGAA[C>A]TGGCGCTGCATGAAGCCGGCCTGGCCCAGGCGCACCTCGGCCTCCGGGAGGATCTGGTCG-3'
Protein context (NP_005468.1, residues 207-227): RLGQAGFMQR[Gln217His]FGAMLQPGVN